The following is an entry in ClinVar:

NM_001330288.2(SMARCC2):c.2065C>T (p.Pro689Ser)

Gene: SMARCC2 (SWI/SNF related BAF chromatin remodeling complex subunit C2; minus strand). Cytogenetic location: 12q13.2.
Variant type: single nucleotide variant.
Coding change: c.2065C>T on transcript NM_001330288.2 (MANE Select); coding-DNA position 2065, C replaced by T.
Protein change: p.Pro689Ser; replaces proline 689 with serine.
Molecular consequence: missense variant.
Genome position (GRCh38, 1-based): chr12:56,171,799, G>A on the plus strand (C>T on the coding strand, the complement: SMARCC2 is on the minus strand). VCF-style: chr12-56171799-G-A. GRCh37 (hg19) VCF-style: chr12-56565583-G-A.
Other names: c.2065C>T, p.Pro689Ser (NM_001130420.3, NM_139067.4); c.1972C>T, p.Pro658Ser (NM_003075.5); short protein forms P658S, P689S.
Identifiers: ClinVar variation 3365254 (VCV003365254.1).
Genomic context (GRCh38, chr12:56,171,799, plus strand): 5'-CAACAGTGCTCATAACAGGGTTGCCCGACTGACTGAAGGGGATGGGTTGGTAGGCCAGGG[G>A]GCCTAGGGAGGCCTCTGAGTCCTCCAGGTATGGGTCTTCAATGGGAAGACGAAGAAAATG-3'
Protein context (NP_001317217.1, residues 679-699): YLEDSEASLG[Pro689Ser]LAYQPIPFSQ

ClinVar aggregate classification (germline): Uncertain significance (1 of 4 stars; one submission).

Submission:

GeneDx
Classification: Uncertain significance. Last evaluated: 2023-12-07. Review status: criteria provided, single submitter. Criteria: GeneDx Variant Classification Process June 2021. Collection method: clinical testing. Allele origin: germline. Affected: yes.
Comment: Not observed at significant frequency in large population cohorts (gnomAD); In silico analysis supports that this missense variant has a deleterious effect on protein structure/function; Has not been previously published as pathogenic or benign to our knowledge